The following is an entry in ClinVar:

ClinVar aggregate classification (germline): Uncertain significance. Review status: criteria provided, single submitter (1 of 4 stars). 2 submissions from 1 submitter: Uncertain significance (2). Last evaluated 2019-04-08.

Conditions:
Dyskeratosis congenita. Identifiers: Orphanet 1775, MedGen C0265965, MONDO:0015780.
Diamond-Blackfan anemia. Also called: Blackfan Diamond syndrome; Aregenerative anemia chronic congenital; Red cell aplasia, pure hereditary; Congenital hypoplastic anemia; Aase syndrome. Identifiers: Orphanet 124, MedGen C1260899, MeSH D029503, MONDO:0015253, HP:0004810.

Submissions (2):

Labcorp Genetics (formerly Invitae), Labcorp
Classification: Uncertain significance for Dyskeratosis congenita. Last evaluated: 2019-04-08. Review status: criteria provided, single submitter. Criteria: Invitae Variant Classification Sherloc (09022015). Collection method: clinical testing. Allele origin: germline.
Comment: This variant results in a copy number gain of the genomic region encompassing the full coding sequence of the CTC1 gene. The boundaries of this event are unknown as they extend beyond the assayed region for this gene and therefore may encompass additional genes. As the precise location of this event is unknown, it may be in tandem or it may be located elsewhere in the genome. This variant has not been reported in the literature in individuals with CTC1-related conditions. In summary, the available evidence is currently insufficient to determine the role of this variant in disease. Therefore, it has been classified as a Variant of Uncertain Significance.

Labcorp Genetics (formerly Invitae), Labcorp
Classification: Uncertain significance for Diamond-Blackfan anemia. Last evaluated: 2019-03-29. Review status: criteria provided, single submitter. Criteria: Invitae Variant Classification Sherloc (09022015). Collection method: clinical testing. Allele origin: germline.
Comment: This variant results in a copy number gain of the genomic region encompassing the full coding sequence of the RPL26 gene. The boundaries of this event are unknown as they extend beyond the assayed region for this gene and therefore may encompass additional genes. As the precise location of this event is unknown, it may be in tandem or it may be located elsewhere in the genome. This variant has not been reported in the literature in individuals with RPL26-related conditions. In summary, the available evidence is currently insufficient to determine the role of this variant in disease. Therefore, it has been classified as a Variant of Uncertain Significance.

NC_000017.11:g.(?_8228170)_(8382320_?)dup

Genes: RANGRF (RAN guanine nucleotide release factor; plus strand), RPL26 (ribosomal protein L26; minus strand), SLC25A35 (solute carrier family 25 member 35; minus strand), ODF4 (outer dense fiber of sperm tails 4; plus strand), PFAS (phosphoribosylformylglycinamidine synthase; plus strand) and 3 more. Cytogenetic location: 17p13.1.
Variant type: Duplication.
Identifiers: ClinVar variation 833339 (VCV000833339.2).